The following is an entry in ClinVar:

NM_004525.3(LRP2):c.1268G>A (p.Arg423His)

Gene: LRP2 (LDL receptor related protein 2; minus strand). Cytogenetic location: 2q31.1.
Variant type: single nucleotide variant.
Coding change: c.1268G>A on transcript NM_004525.3 (MANE Select); coding-DNA position 1268, G replaced by A.
Protein change: p.Arg423His; replaces arginine 423 with histidine.
Molecular consequence: missense variant.
Genome position (GRCh38, 1-based): chr2:169,280,423, C>T on the plus strand (G>A on the coding strand, the complement: LRP2 is on the minus strand). VCF-style: chr2-169280423-C-T. GRCh37 (hg19) VCF-style: chr2-170136933-C-T.
Other names: c.1268G>A (NM_004525.2); short protein forms R423H.
Identifiers: ClinVar variation 1386418 (VCV001386418.7), dbSNP rs1386254805, ClinGen allele CA349150163.
Genomic context (GRCh38, chr2:169,280,423, plus strand): 5'-GTGTCTGTCCAAAAAACTCTTTGCAGGTGATAGTGGAAAGCCACACCCACGGCCACTCCA[C>T]GATTCTGAGACTCCACTAGGATCCGGAAGCTCCTTCCATGAATATCACCAATTAACAAAT-3'
Protein context (NP_004516.2, residues 413-433): SFRILVESQN[Arg423His]GVAVGVAFHY

ClinVar aggregate classification (germline): Uncertain significance. Review status: criteria provided, multiple submitters, no conflicts (2 of 4 stars). 3 submissions from 3 submitters: Uncertain significance (3). Last evaluated 2024-03-19.

Conditions:
Donnai-Barrow syndrome. Also called: DBS/FOAR SYNDROME; FACIOOCULOACOUSTICORENAL SYNDROME. Identifiers: Orphanet 2143, MedGen C1857277, MONDO:0009104, OMIM 222448.
Inborn genetic diseases. Identifiers: MedGen C0950123, MeSH D030342.

Allele frequency attached by ClinVar (database versions not stated): gnomAD 0.00001; TOPMed 0.00002.
gnomAD v4.1: 9 of 1,614,056 alleles (0.00056%); highest among the groups gnomAD compares: African/African-American, 0.004%; no homozygotes.

Submissions (3):

Ambry Genetics
Classification: Uncertain significance for Inborn genetic diseases. Last evaluated: 2024-03-19. Review status: criteria provided, single submitter. Criteria: Ambry Variant Classification Scheme 2023. Collection method: clinical testing. Allele origin: germline.

Labcorp Genetics (formerly Invitae), Labcorp
Classification: Uncertain significance. Last evaluated: 2022-02-20. Review status: criteria provided, single submitter. Criteria: Invitae Variant Classification Sherloc (09022015). Collection method: clinical testing. Allele origin: germline.
Comment: This sequence change replaces arginine, which is basic and polar, with histidine, which is basic and polar, at codon 423 of the LRP2 protein (p.Arg423His). This variant is not present in population databases (gnomAD no frequency). This variant has not been reported in the literature in individuals affected with LRP2-related conditions. Advanced modeling of protein sequence and biophysical properties (such as structural, functional, and spatial information, amino acid conservation, physicochemical variation, residue mobility, and thermodynamic stability) performed at Invitae indicates that this missense variant is not expected to disrupt LRP2 protein function. In summary, the available evidence is currently insufficient to determine the role of this variant in disease. Therefore, it has been classified as a Variant of Uncertain Significance.

Fulgent Genetics
Classification: Uncertain significance for Donnai-Barrow syndrome. Last evaluated: 2021-11-06. Review status: criteria provided, single submitter. Criteria: ACMG Guidelines, 2015. Collection method: clinical testing. Allele origin: unknown.